The following is an entry in ClinVar:

NM_024496.4(IRF2BPL):c.709A>C (p.Thr237Pro)

Gene: IRF2BPL (interferon regulatory factor 2 binding protein like; minus strand). Cytogenetic location: 14q24.3.
Variant type: single nucleotide variant.
Coding change: c.709A>C on transcript NM_024496.4 (MANE Select); coding-DNA position 709, A replaced by C.
Protein change: p.Thr237Pro; replaces threonine 237 with proline.
Molecular consequence: missense variant.
Genome position (GRCh38, 1-based): chr14:77,027,084, T>G on the plus strand (A>C on the coding strand, the complement: IRF2BPL is on the minus strand). VCF-style: chr14-77027084-T-G. GRCh37 (hg19) VCF-style: chr14-77493427-T-G.
Other names: short protein forms T237P.
Identifiers: ClinVar variation 4281858 (VCV004281858.1).
Genomic context (GRCh38, chr14:77,027,084, plus strand): 5'-GCAGGTTGGGGGGCACGGTGAGCTGGGGGCCTCCGCCACCCCCCGGGTTGGGCAGCCCCG[T>G]AACCAGCCCACCGTGCGTTCCACGCCGAGACGCCACCGACGCCGCCGCTGAAGAAGAATT-3'
Protein context (NP_078772.1, residues 227-247): SRRGTHGGLV[Thr237Pro]GLPNPGGGGG

ClinVar aggregate classification (germline): Uncertain significance (1 of 4 stars; one submission).

Submission:

GeneDx
Classification: Uncertain significance. Last evaluated: 2025-04-10. Review status: criteria provided, single submitter. Criteria: GeneDx Variant Classification Process June 2021. Collection method: clinical testing. Allele origin: germline. Affected: yes.
Comment: Not observed at significant frequency in large population cohorts (gnomAD); In silico analysis indicates that this missense variant does not alter protein structure/function; Has not been previously published as pathogenic or benign to our knowledge